The following is an entry in ClinVar:

ClinVar aggregate classification (germline): Uncertain significance (1 of 4 stars; one submission).

Conditions:
Schimke immuno-osseous dysplasia (SIOD). Also called: Schimke Immunoosseous Dysplasia. Identifiers: Orphanet 1830, MedGen C0877024, MONDO:0009458, OMIM 242900.

Allele frequency attached by ClinVar (database versions not stated): gnomAD exomes below 0.00001.
gnomAD v4.1: 1 of 1,614,224 alleles (0.000062%); highest among the groups gnomAD compares: Non-Finnish European, 0.000085%; no homozygotes.

Submission:

Labcorp Genetics (formerly Invitae), Labcorp
Classification: Uncertain significance for Schimke immuno-osseous dysplasia. Last evaluated: 2021-08-01. Review status: criteria provided, single submitter. Criteria: Invitae Variant Classification Sherloc (09022015). Collection method: clinical testing. Allele origin: germline.
Comment: In summary, the available evidence is currently insufficient to determine the role of this variant in disease. Therefore, it has been classified as a Variant of Uncertain Significance. Algorithms developed to predict the effect of missense changes on protein structure and function (SIFT, PolyPhen-2, Align-GVGD) all suggest that this variant is likely to be tolerated. This variant has not been reported in the literature in individuals affected with SMARCAL1-related conditions. This variant is not present in population databases (ExAC no frequency). This sequence change replaces threonine with isoleucine at codon 40 of the SMARCAL1 protein (p.Thr40Ile). The threonine residue is weakly conserved and there is a moderate physicochemical difference between threonine and isoleucine.

NM_014140.4(SMARCAL1):c.119C>T (p.Thr40Ile)

Gene: SMARCAL1 (SNF2 related chromatin remodeling annealing helicase 1; plus strand). Cytogenetic location: 2q35.
Variant type: single nucleotide variant.
Coding change: c.119C>T on transcript NM_014140.4 (MANE Select); coding-DNA position 119, C replaced by T.
Protein change: p.Thr40Ile; replaces threonine 40 with isoleucine.
Molecular consequence: missense variant.
Genome position (GRCh38, 1-based): chr2:216,414,823, C>T. VCF-style: chr2-216414823-C-T. GRCh37 (hg19) VCF-style: chr2-217279546-C-T.
Other names: c.119C>T, p.Thr40Ile (NM_001127207.2); short protein forms T40I.
Identifiers: ClinVar variation 1474557 (VCV001474557.6), dbSNP rs1693551035, ClinGen allele CA350496558.